The following is an entry in ClinVar:

NM_031471.6(FERMT3):c.1400A>G (p.Gln467Arg)

Gene: FERMT3 (FERM domain containing kindlin 3; plus strand). Cytogenetic location: 11q13.1.
Variant type: single nucleotide variant.
Coding change: c.1400A>G on transcript NM_031471.6 (MANE Select); coding-DNA position 1400, A replaced by G.
Protein change: p.Gln467Arg; replaces glutamine 467 with arginine.
Molecular consequence: missense variant.
Genome position (GRCh38, 1-based): chr11:64,220,524, A>G. VCF-style: chr11-64220524-A-G. GRCh37 (hg19) VCF-style: chr11-63987996-A-G.
Other names: c.1400A>G, p.Gln467Arg (NM_001382361.1, NM_001382448.1); c.1412A>G, p.Gln471Arg (NM_001382362.1, NM_178443.3); c.860A>G, p.Gln287Arg (NM_001382363.1); c.872A>G, p.Gln291Arg (NM_001382364.1); short protein forms Q471R, Q467R, Q287R, Q291R.
Identifiers: ClinVar variation 664845 (VCV000664845.8), dbSNP rs758346041, ClinGen allele CA6069152.

ClinVar aggregate classification (germline): Uncertain significance. Review status: criteria provided, multiple submitters, no conflicts (2 of 4 stars). 2 submissions from 2 submitters: Uncertain significance (2). Last evaluated 2026-01-20.

Conditions:
Inborn genetic diseases. Identifiers: MedGen C0950123, MeSH D030342.
Leukocyte adhesion deficiency 3. Also called: INTEGRIN ACTIVATION DEFICIENCY DISEASE; LEUKOCYTE ADHESION DEFICIENCY 1 VARIANT; Leukocyte adhesion deficiency, type III. Identifiers: Orphanet 2968, Orphanet 99844, MedGen C2748536, MONDO:0013016, OMIM 612840.

Allele frequency attached by ClinVar (database versions not stated): gnomAD exomes 0.00001 and 0.00003; ExAC 0.00003; gnomAD 0.00017 and 0.00018; TOPMed 0.00021.
gnomAD v4.1: 44 of 1,607,756 alleles (0.0027%); highest among the groups gnomAD compares: African/African-American, 0.051%; no homozygotes.

Submissions (2):

Labcorp Genetics (formerly Invitae), Labcorp
Classification: Uncertain significance for Leukocyte adhesion deficiency 3. Last evaluated: 2026-01-20. Review status: criteria provided, single submitter. Criteria: Invitae Variant Classification Sherloc (09022015). Collection method: clinical testing. Allele origin: germline.
Comment: This sequence change replaces glutamine, which is neutral and polar, with arginine, which is basic and polar, at codon 467 of the FERMT3 protein (p.Gln467Arg). This variant is present in population databases (rs758346041, gnomAD 0.05%). This variant has not been reported in the literature in individuals affected with FERMT3-related conditions. ClinVar contains an entry for this variant (Variation ID: 664845). Invitae Evidence Modeling of protein sequence and biophysical properties (such as structural, functional, and spatial information, amino acid conservation, physicochemical variation, residue mobility, and thermodynamic stability) indicates that this missense variant is not expected to disrupt FERMT3 protein function with a negative predictive value of 80%. In summary, the available evidence is currently insufficient to determine the role of this variant in disease. Therefore, it has been classified as a Variant of Uncertain Significance.

Ambry Genetics
Classification: Uncertain significance for Inborn genetic diseases. Last evaluated: 2022-06-24. Review status: criteria provided, single submitter. Criteria: Ambry Variant Classification Scheme 2023. Collection method: clinical testing. Allele origin: germline.